The following is an entry in ClinVar:

ClinVar aggregate classification (germline): Uncertain significance (1 of 4 stars; one submission).

Conditions:
SEMA3C-related disorder. Also called: SEMA3C-related condition.

gnomAD v4.1: 1 of 1,613,242 alleles (0.000062%); highest among the groups gnomAD compares: African/African-American, 0.0013%; no homozygotes.

Submission:

PreventionGenetics, part of Exact Sciences
Classification: Uncertain significance for SEMA3C-related condition. Last evaluated: 2026-06-16. Review status: criteria provided, single submitter. Criteria: ACMG Guidelines, 2015. Collection method: clinical testing. Allele origin: germline.
Comment: The SEMA3C c.1828T>C variant is predicted to result in the amino acid substitution p.Cys610Arg. To our knowledge, this variant has not been reported in the literature. This variant is reported in 0.011% of alleles in individuals of African descent in gnomAD. At this time, the clinical significance of this variant is uncertain due to the absence of conclusive functional and genetic evidence.

NM_006379.5(SEMA3C):c.1774T>C (p.Cys592Arg)

Gene: SEMA3C (semaphorin 3C; minus strand). Cytogenetic location: 7q21.11.
Variant type: single nucleotide variant.
Coding change: c.1774T>C on transcript NM_006379.5 (MANE Select); coding-DNA position 1774, T replaced by C.
Protein change: p.Cys592Arg; replaces cysteine 592 with arginine.
Molecular consequence: missense variant.
Genome position (GRCh38, 1-based): chr7:80,748,966, A>G on the plus strand (T>C on the coding strand, the complement: SEMA3C is on the minus strand). VCF-style: chr7-80748966-A-G. GRCh37 (hg19) VCF-style: chr7-80378282-A-G.
Other names: c.1828T>C, p.Cys610Arg (NM_001350120.2); c.1600T>C, p.Cys534Arg (NM_001350121.2); short protein forms C534R, C610R, C592R.
Identifiers: ClinVar variation 4993739 (VCV004993739.1).